The following is an entry in ClinVar:

ClinVar aggregate classification (germline): Uncertain significance (1 of 4 stars; one submission).

Conditions:
Cardiovascular phenotype. Identifiers: MedGen CN230736.

Submission:

Ambry Genetics
Classification: Uncertain significance for Cardiovascular phenotype. Last evaluated: 2025-11-10. Review status: criteria provided, single submitter. Criteria: Ambry Variant Classification Scheme 2023. Collection method: clinical testing. Allele origin: germline.
Comment: The c.11+1G>A intronic variant results from a G to A substitution one nucleotide after coding exon 1 of the TNNI3 gene. This nucleotide position is highly conserved in available vertebrate species. In silico splice site analysis predicts that this alteration will weaken the native splice donor site. Alterations that disrupt the canonical splice site are expected to cause aberrant splicing, resulting in an abnormal protein or a transcript that is subject to nonsense-mediated mRNA decay. Although biallelic loss of function of TNNI3 has been associated with autosomal recessive dilated cardiomyopathy, haploinsufficiency of TNNI3 has not been established as a mechanism of disease for autosomal dominant cardiomyopathy. Based on the supporting evidence, this variant is expected to be causative of autosomal recessive dilated cardiomyopathy when present along with a second pathogenic variant on the other allele; however, its clinical significance for autosomal dominant cardiomyopathy is unclear.

NM_000363.5(TNNI3):c.11+1G>A

Gene: TNNI3 (troponin I3, cardiac type; minus strand). Cytogenetic location: 19q13.42.
Variant type: single nucleotide variant.
Coding change: c.11+1G>A on transcript NM_000363.5 (MANE Select); the canonical splice donor site of the intron after coding-DNA position 11, G replaced by A.
Molecular consequence: splice donor variant.
Genome position (GRCh38, 1-based): chr19:55,157,578, C>T on the plus strand (G>A on the coding strand, the complement: TNNI3 is on the minus strand). VCF-style: chr19-55157578-C-T. GRCh37 (hg19) VCF-style: chr19-55668946-C-T.
Identifiers: ClinVar variation 4615116 (VCV004615116.1).
Genomic context (GRCh38, chr19:55,157,578, plus strand): 5'-GACCCCTCTTGGGAACCCGGGAGGTCGCCCCCAACTCCCACTGCCTTGGGGCATCACTCA[C>T]CCATCCGCCATGCTGAGACTCAGGCCGGGAATGGCAGGAGGCAGGGCGAGGACAGGGGCG-3'